The following is an entry in ClinVar:

NM_006017.3(PROM1):c.1882A>G (p.Arg628Gly)

Gene: PROM1 (prominin 1; minus strand). Cytogenetic location: 4p15.32.
Variant type: single nucleotide variant.
Coding change: c.1882A>G on transcript NM_006017.3 (MANE Select); coding-DNA position 1882, A replaced by G.
Protein change: p.Arg628Gly; replaces arginine 628 with glycine.
Molecular consequence: missense variant.
Genome position (GRCh38, 1-based): chr4:15,992,277, T>C on the plus strand (A>G on the coding strand, the complement: PROM1 is on the minus strand). VCF-style: chr4-15992277-T-C. GRCh37 (hg19) VCF-style: chr4-15993900-T-C.
Other names: c.1855A>G, p.Arg619Gly (NM_001145847.2, NM_001145848.2, NM_001145851.2 and 4 more transcripts); c.1882A>G, p.Arg628Gly (NM_001145849.2, NM_001145850.2); short protein forms R619G, R628G.
Identifiers: ClinVar variation 1941628 (VCV001941628.5), dbSNP rs747831357, ClinGen allele CA2866616.

ClinVar aggregate classification (germline): Uncertain significance (1 of 4 stars; one submission).

Allele frequency attached by ClinVar (database versions not stated): gnomAD exomes below 0.00001; ExAC 0.00001.
gnomAD v4.1: 5 of 1,614,028 alleles (0.00031%); highest among the groups gnomAD compares: Non-Finnish European, 0.00042%; no homozygotes.

Submission:

Labcorp Genetics (formerly Invitae), Labcorp
Classification: Uncertain significance. Last evaluated: 2022-10-17. Review status: criteria provided, single submitter. Criteria: Invitae Variant Classification Sherloc (09022015). Collection method: clinical testing. Allele origin: germline.
Comment: In summary, the available evidence is currently insufficient to determine the role of this variant in disease. Therefore, it has been classified as a Variant of Uncertain Significance. Algorithms developed to predict the effect of sequence changes on RNA splicing suggest that this variant may disrupt the consensus splice site. Advanced modeling of protein sequence and biophysical properties (such as structural, functional, and spatial information, amino acid conservation, physicochemical variation, residue mobility, and thermodynamic stability) performed at Invitae indicates that this missense variant is not expected to disrupt PROM1 protein function. This variant has not been reported in the literature in individuals affected with PROM1-related conditions. This variant is present in population databases (rs747831357, gnomAD 0.0009%). This sequence change replaces arginine, which is basic and polar, with glycine, which is neutral and non-polar, at codon 628 of the PROM1 protein (p.Arg628Gly).